The following is an entry in ClinVar:

NM_001136193.2(FASTKD2):c.1021del (p.Ser341fs)

Gene: FASTKD2 (FAST kinase domains 2; plus strand). Cytogenetic location: 2q33.3.
Variant type: Deletion.
Coding change: c.1021del on transcript NM_001136193.2 (MANE Select); coding-DNA position 1021, one base deleted (T; older notation c.1021delT).
Protein change: p.Ser341fs; shifts the reading frame from serine 341.
Molecular consequence: frameshift variant.
Genome position (GRCh38, 1-based): chr2:206,771,924, T deleted; the last of 4 consecutive T bases (chr2:206,771,921-206,771,924); deleting any one gives the same sequence. VCF-style (leftmost placement, unchanged base first): chr2-206771920-AT-A. GRCh37 (hg19) VCF-style: chr2-207636644-AT-A.
Other names: c.1021del, p.Ser341fs (NM_001136194.2, NM_014929.4); short protein forms S341fs.
Identifiers: ClinVar variation 4813513 (VCV004813513.1), dbSNP rs1559360466.

ClinVar aggregate classification (germline): Pathogenic (1 of 4 stars; one submission).

Conditions:
Combined oxidative phosphorylation deficiency 44. Also called: FASTKD2-Related Combined Oxidative Phosphorylation Deficiency. Identifiers: MedGen C5394293, MONDO:0030020, OMIM 618855.

Submission:

Mendelics
Classification: Pathogenic for Combined oxidative phosphorylation deficiency 44. Last evaluated: 2026-03-05. Review status: criteria provided, single submitter. Criteria: ACMG Guidelines, 2015. Collection method: clinical testing. Allele origin: unknown.
Comment: Likely pathogenic/Pathogenic according to ACMG criteria.